The following is an entry in ClinVar:

ClinVar aggregate classification (germline): Uncertain significance (1 of 4 stars; one submission).

Allele frequency attached by ClinVar (database versions not stated): TOPMed below 0.00001.
gnomAD v4.1: 10 of 1,614,190 alleles (0.00062%); highest among the groups gnomAD compares: Non-Finnish European, 0.00085%; no homozygotes.

Submission:

CeGaT Center for Human Genetics Tuebingen
Classification: Uncertain significance. Last evaluated: 2024-02-01. Review status: criteria provided, single submitter. Criteria: CeGaT Center For Human Genetics Tuebingen Variant Classification Criteria Version 2. Collection method: clinical testing. Allele origin: germline. Affected: yes. Observed: 1 variant allele.
Comment: IRF2BP2: PM2

NM_182972.3(IRF2BP2):c.1535G>A (p.Arg512Gln)

Gene: IRF2BP2 (interferon regulatory factor 2 binding protein 2; minus strand). Cytogenetic location: 1q42.3.
Variant type: single nucleotide variant.
Coding change: c.1535G>A on transcript NM_182972.3 (MANE Select); coding-DNA position 1535, G replaced by A.
Protein change: p.Arg512Gln; replaces arginine 512 with glutamine.
Molecular consequence: missense variant.
Genome position (GRCh38, 1-based): chr1:234,607,366, C>T on the plus strand (G>A on the coding strand, the complement: IRF2BP2 is on the minus strand). VCF-style: chr1-234607366-C-T. GRCh37 (hg19) VCF-style: chr1-234743112-C-T.
Other names: c.1487G>A, p.Arg496Gln (NM_001077397.1); short protein forms R496Q, R512Q.
Identifiers: ClinVar variation 3026368 (VCV003026368.22), dbSNP rs775149952, ClinGen allele CA39544847.